The following is an entry in ClinVar:

ClinVar aggregate classification (germline): Pathogenic. Review status: criteria provided, multiple submitters, no conflicts (2 of 4 stars). 2 submissions from 2 submitters: Pathogenic (2). Last evaluated 2022-03-19.

Submissions (2):

Labcorp Genetics (formerly Invitae), Labcorp
Classification: Pathogenic. Last evaluated: 2022-03-19. Review status: criteria provided, single submitter. Criteria: Invitae Variant Classification Sherloc (09022015). Collection method: clinical testing. Allele origin: germline.
Comment: For these reasons, this variant has been classified as Pathogenic. ClinVar contains an entry for this variant (Variation ID: 449506). This premature translational stop signal has been observed in individual(s) with autosomal dominant retinitis pigmentosa (PMID: 16799052). This variant is not present in population databases (gnomAD no frequency). This sequence change creates a premature translational stop signal (p.Gly253Alafs*65) in the PRPF31 gene. It is expected to result in an absent or disrupted protein product. Loss-of-function variants in PRPF31 are known to be pathogenic (PMID: 18317597, 23950152).

GeneDx
Classification: Pathogenic. Last evaluated: 2017-06-23. Review status: criteria provided, single submitter. Criteria: GeneDx Variant Classification (06012015). Collection method: clinical testing. Allele origin: germline. Affected: yes.
Comment: The c.758_767del10 variant in the PRPF31 gene has been reported previously in association with autosomal dominant retinitis pigmentosa (Sullivan et al., 2006). The c.758_767del10 variant causes a frameshift starting with codon Glycine 253, changes this amino acid to an Alanine residue, and creates a premature Stop codon at position 65 of the new reading frame, denoted p.Gly253AlafsX65. This variant is predicted to cause loss of normal protein function either through protein truncation or nonsense-mediated mRNA decay. The c.758_767del10 variant is not observed in large population cohorts (Lek et al., 2016; 1000 Genomes Consortium et al., 2015; Exome Variant Server). We interpret c.758_767del10 as a pathogenic variant.

Literature cited by the submitters: PubMed 16799052 (cited by Labcorp Genetics (formerly Invitae), Labcorp); PubMed 18317597 (cited by Labcorp Genetics (formerly Invitae), Labcorp); PubMed 23950152 (cited by Labcorp Genetics (formerly Invitae), Labcorp).

NM_015629.4(PRPF31):c.758_767del (p.Gly253fs)

Gene: PRPF31 (pre-mRNA processing factor 31; plus strand). Cytogenetic location: 19q13.42.
Variant type: Deletion.
Coding change: c.758_767del on transcript NM_015629.4 (MANE Select); coding-DNA positions 758 to 767, 10 bases deleted (GGGCCCAGCG; older notation c.758_767delGGGCCCAGCG).
Protein change: p.Gly253fs; shifts the reading frame from glycine 253.
Molecular consequence: frameshift variant.
Genome position (GRCh38, 1-based): chr19:54,124,559-54,124,568, GGGCCCAGCG deleted; deleting any 10 consecutive bases within chr19:54,124,557-54,124,568 gives the same sequence; the c. name uses the placement nearest the transcript's 3' end. VCF-style (leftmost placement, unchanged base first): chr19-54124556-TCGGGGCCCAG-T. GRCh37 (hg19) VCF-style: chr19-54627935-TCGGGGCCCAG-T.
Other names: short protein forms G253fs.
Identifiers: ClinVar variation 449506 (VCV000449506.11), dbSNP rs1555793170, ClinGen allele CA658658861.